The following is an entry in ClinVar:

ClinVar aggregate classification (germline): Pathogenic (1 of 4 stars; one submission).

Conditions:
Aniridia 1 (AN1). Identifiers: Orphanet 250923, MedGen C0344542, MONDO:0024507, OMIM 106210.
Irido-corneo-trabecular dysgenesis (ASGD5). Also called: ANTERIOR SEGMENT DYSGENESIS 5. Identifiers: Orphanet 708, MedGen C0344559, MONDO:0011414, OMIM 604229, HP:0000659.

Submission:

Labcorp Genetics (formerly Invitae), Labcorp
Classification: Pathogenic for Aniridia 1; Irido-corneo-trabecular dysgenesis. Last evaluated: 2018-03-23. Review status: criteria provided, single submitter. Criteria: Invitae Variant Classification Sherloc (09022015). Collection method: clinical testing. Allele origin: germline.
Comment: Loss-of-function variants in PAX6 are known to be pathogenic (PMID: 12634864). For these reasons, this variant has been classified as Pathogenic. This variant has not been reported in the literature in individuals with PAX6-related disease. This variant is not present in population databases (ExAC no frequency). This sequence change creates a premature translational stop signal (p.His34Glnfs*20) in the PAX6 gene. It is expected to result in an absent or disrupted protein product.

Literature cited by the submitters: PubMed 12634864.

NM_001368894.2(PAX6):c.102_106delinsAACC (p.His34fs)

Gene: PAX6 (paired box 6; minus strand). Cytogenetic location: 11p13.
Variant type: Indel.
Coding change: c.102_106delinsAACC on transcript NM_001368894.2 (MANE Select); coding-DNA positions 102 to 106, CAGCG replaced by AACC.
Protein change: p.His34fs; shifts the reading frame from histidine 34.
Molecular consequence: frameshift variant. On other transcripts: 5 prime UTR variant (12), non-coding transcript variant (2), intron variant (2).
Genome position (GRCh38, 1-based): chr11:31,802,739-31,802,743, CGCTG replaced by GGTT on the plus strand (CAGCG replaced by AACC on the coding strand, the reverse complement: PAX6 is on the minus strand). VCF-style: chr11-31802739-CGCTG-GGTT. GRCh37 (hg19) VCF-style: chr11-31824287-CGCTG-GGTT.
Other names: c.102_106delinsAACC, p.His34fs (NM_000280.6, NM_001127612.3, NM_001258462.3 and 30 more transcripts); c.-680_-676delinsAACC (NM_001310160.2, NM_001368905.2); c.-349_-345delinsAACC (NM_001310161.3, NM_001368900.2, NM_001368903.2 and 2 more transcripts); c.-307_-303delinsAACC (NM_001368899.2, NM_001368901.2, NM_001368906.2 and 1 more transcripts); c.-638_-634delinsAACC (NM_001368902.2); c.345_349delinsAACC, p.His115fs (NM_001368910.2); c.105_109delinsAACC, p.His35fs (NM_001368911.2); c.-267-967_-267-963delinsAACC (NM_001368909.2, NM_001368904.2); short protein forms H34fs, H115fs, H35fs.
Identifiers: ClinVar variation 565950 (VCV000565950.6), dbSNP rs1565245835, ClinGen allele CA891842470.
Genomic context (GRCh38, chr11:31,802,739, plus strand): 5'-AGTGGGGCGGCGCCGGGAGGATCACCTGCAGAATTCGGGAAATGTCGCACGGCCGGGCCC[CGCTG>GGTT]TGAGCTAGCTCTACAATCTTCTGCCGGGTGGAGTCCGGCAGTGGCCGCCCGTTGACAAAG-3'